The following is an entry in ClinVar:

ClinVar aggregate classification (germline): Conflicting classifications of pathogenicity. Review status: criteria provided, conflicting classifications (1 of 4 stars). 4 submissions from 4 submitters: Uncertain significance (1); Benign (1). 2 of the submissions do not count toward it. Last evaluated 2026-02-02.

Conditions:
Microcephaly. Also called: Microcephaly (disease). Identifiers: MedGen C4551563, MONDO:0001149, HP:0000252.
MED17-related disorder. Also called: MED17-related condition.

Allele frequency attached by ClinVar (database versions not stated): 1000 Genomes Project 30x 0.00031; 1000 Genomes Project 0.00040; gnomAD 0.00048; TOPMed 0.00054.
gnomAD v4.1: 289 of 1,614,052 alleles (0.018%); highest among the groups gnomAD compares: East Asian, 0.43%; 1 homozygote.

Submissions (4):

Labcorp Genetics (formerly Invitae), Labcorp
Classification: Benign. Last evaluated: 2026-02-02. Review status: criteria provided, single submitter. Criteria: Invitae Variant Classification Sherloc (09022015). Collection method: clinical testing. Allele origin: germline.

Genetic Services Laboratory, University of Chicago
Classification: Uncertain significance. Last evaluated: 2018-07-14. Review status: criteria provided, single submitter. Criteria: ACMG Guidelines, 2015. Collection method: clinical testing. Allele origin: germline. Affected: no.

PreventionGenetics, part of Exact Sciences
Classification: Likely benign for MED17-related condition. Last evaluated: 2020-06-22. Review status: no assertion criteria provided. Collection method: clinical testing. Allele origin: germline. Not counted in ClinVar's aggregate classification.
Comment: This variant is classified as likely benign based on ACMG/AMP sequence variant interpretation guidelines (Richards et al. 2015 PMID: 25741868, with internal and published modifications).

Department of Pediatrics, Samsung Medical Center, Samsung Medical Center
Classification: Uncertain significance for Microcephaly. Review status: no assertion criteria provided. Criteria: ACMG Guidelines, 2015. Collection method: research. Allele origin: germline. Affected: yes. Not counted in ClinVar's aggregate classification.

NM_004268.5(MED17):c.1748G>A (p.Arg583His)

Gene: MED17 (mediator complex subunit 17; plus strand). Cytogenetic location: 11q21.
Variant type: single nucleotide variant.
Coding change: c.1748G>A on transcript NM_004268.5 (MANE Select); coding-DNA position 1748, G replaced by A.
Protein change: p.Arg583His; replaces arginine 583 with histidine.
Molecular consequence: missense variant.
Genome position (GRCh38, 1-based): chr11:93,811,856, G>A. VCF-style: chr11-93811856-G-A. GRCh37 (hg19) VCF-style: chr11-93545022-G-A.
Other names: short protein forms R583H.
Identifiers: ClinVar variation 766010 (VCV000766010.18), dbSNP rs548231700, ClinGen allele CA6232708.